The following is an entry in ClinVar:

ClinVar aggregate classification (germline): Uncertain significance (1 of 4 stars; one submission).

Conditions:
Hypertrophic cardiomyopathy. Also called: HYPERTROPHIC MYOCARDIOPATHY. Identifiers: Orphanet 217569, MedGen C0007194, MeSH D002312, MONDO:0005045, HP:0001639.

Submission:

Labcorp Genetics (formerly Invitae), Labcorp
Classification: Uncertain significance for Hypertrophic cardiomyopathy. Last evaluated: 2022-07-26. Review status: criteria provided, single submitter. Criteria: Invitae Variant Classification Sherloc (09022015). Collection method: clinical testing. Allele origin: germline.
Comment: In summary, the available evidence is currently insufficient to determine the role of this variant in disease. Therefore, it has been classified as a Variant of Uncertain Significance. Algorithms developed to predict the effect of missense changes on protein structure and function output the following: SIFT: "Tolerated"; PolyPhen-2: "Benign"; Align-GVGD: "Class C0". The leucine amino acid residue is found in multiple mammalian species, which suggests that this missense change does not adversely affect protein function. ClinVar contains an entry for this variant (Variation ID: 1378960). This variant has not been reported in the literature in individuals affected with MYL3-related conditions. This variant is not present in population databases (gnomAD no frequency). This sequence change replaces methionine, which is neutral and non-polar, with leucine, which is neutral and non-polar, at codon 59 of the MYL3 protein (p.Met59Leu).

NM_000258.3(MYL3):c.175A>T (p.Met59Leu)

Gene: MYL3 (myosin light chain 3; minus strand). Cytogenetic location: 3p21.31.
Variant type: single nucleotide variant.
Coding change: c.175A>T on transcript NM_000258.3 (MANE Select); coding-DNA position 175, A replaced by T.
Protein change: p.Met59Leu; replaces methionine 59 with leucine.
Molecular consequence: missense variant.
Genome position (GRCh38, 1-based): chr3:46,860,808, T>A on the plus strand (A>T on the coding strand, the complement: MYL3 is on the minus strand). VCF-style: chr3-46860808-T-A. GRCh37 (hg19) VCF-style: chr3-46902298-T-A.
Other names: short protein forms M59L.
Identifiers: ClinVar variation 1378960 (VCV001378960.6), dbSNP rs1575498261, ClinGen allele CA352498619.
Genomic context (GRCh38, chr3:46,860,808, plus strand): 5'-CATCCCCACACTGCCCGTAGGTGATCTTCATCTCACACTTGGGTGTGCGGTCGAACAGCA[T>A]GAAGGCTTCCTTGAACTCTGCCAGGAGAGGGCAGTGAGCCACAGACACTCCCAGGGTCAG-3'
Protein context (NP_000249.1, residues 49-69): EQIEEFKEAF[Met59Leu]LFDRTPKCEM